The following is an entry in ClinVar:

NM_000404.4(GLB1):c.1628C>G (p.Ser543Ter)

Gene: GLB1 (galactosidase beta 1; minus strand). Cytogenetic location: 3p22.3.
Variant type: single nucleotide variant.
Coding change: c.1628C>G on transcript NM_000404.4 (MANE Select); coding-DNA position 1628, C replaced by G.
Protein change: p.Ser543Ter; replaces serine 543 with a stop codon.
Molecular consequence: nonsense.
Genome position (GRCh38, 1-based): chr3:33,014,162, G>C on the plus strand (C>G on the coding strand, the complement: GLB1 is on the minus strand). VCF-style: chr3-33014162-G-C. GRCh37 (hg19) VCF-style: chr3-33055654-G-C.
Other names: c.1538C>G, p.Ser513Ter (NM_001079811.3); c.1235C>G, p.Ser412Ter (NM_001135602.3); c.1772C>G, p.Ser591Ter (NM_001317040.2); c.1628C>G, p.Ser543Ter (NM_001393580.1); short protein forms S412*, S513*, S543*, S591*.
Identifiers: ClinVar variation 4891110 (VCV004891110.1).

ClinVar aggregate classification (germline): Pathogenic (1 of 4 stars; one submission).

Conditions:
GLB1-related disorder. Also called: GLB1-related disorders. Identifiers: MedGen CN377807.

gnomAD v4.1: 1 of 1,614,226 alleles (0.000062%); highest among the groups gnomAD compares: Non-Finnish European, 0.000085%; no homozygotes.

Submission:

Greenwood Genetic Center Diagnostic Laboratories, Greenwood Genetic Center
Classification: Pathogenic for GLB1-related disorder. Last evaluated: 2026-05-29. Review status: criteria provided, single submitter. Criteria: ACMG Guidelines, 2015. Collection method: clinical testing. Allele origin: germline. Affected: yes.
Comment: PVS1, PM2, PM3